The following is an entry in ClinVar:

NM_001271.4(CHD2):c.3592G>C (p.Glu1198Gln)

Gene: CHD2 (chromodomain helicase DNA binding protein 2; plus strand). Cytogenetic location: 15q26.1.
Variant type: single nucleotide variant.
Coding change: c.3592G>C on transcript NM_001271.4 (MANE Select); coding-DNA position 3592, G replaced by C.
Protein change: p.Glu1198Gln; replaces glutamic acid 1198 with glutamine.
Molecular consequence: missense variant.
Genome position (GRCh38, 1-based): chr15:92,992,995, G>C. VCF-style: chr15-92992995-G-C. GRCh37 (hg19) VCF-style: chr15-93536225-G-C.
Other names: short protein forms E1198Q.
Identifiers: ClinVar variation 1364547 (VCV001364547.8), dbSNP rs757981280, ClinGen allele CA393896823.

ClinVar aggregate classification (germline): Uncertain significance (1 of 4 stars; one submission).

Conditions:
Developmental and epileptic encephalopathy 94 (DEE94). Also called: CHD2-Related Neurodevelopmental Disorders; Epileptic encephalopathy, childhood-onset. Identifiers: Orphanet 1942, Orphanet 2382, MedGen C3809278, MONDO:0014150, OMIM 615369.

gnomAD v4.1: 1 of 1,613,388 alleles (0.000062%); highest among the groups gnomAD compares: Non-Finnish European, 0.000085%; no homozygotes.

Submission:

Labcorp Genetics (formerly Invitae), Labcorp
Classification: Uncertain significance for Developmental and epileptic encephalopathy 94. Last evaluated: 2022-08-09. Review status: criteria provided, single submitter. Criteria: Invitae Variant Classification Sherloc (09022015). Collection method: clinical testing. Allele origin: germline.
Comment: In summary, the available evidence is currently insufficient to determine the role of this variant in disease. Therefore, it has been classified as a Variant of Uncertain Significance. Advanced modeling of protein sequence and biophysical properties (such as structural, functional, and spatial information, amino acid conservation, physicochemical variation, residue mobility, and thermodynamic stability) performed at Invitae indicates that this missense variant is not expected to disrupt CHD2 protein function. ClinVar contains an entry for this variant (Variation ID: 1364547). This variant has not been reported in the literature in individuals affected with CHD2-related conditions. This variant is not present in population databases (gnomAD no frequency). This sequence change replaces glutamic acid, which is acidic and polar, with glutamine, which is neutral and polar, at codon 1198 of the CHD2 protein (p.Glu1198Gln).